The following is an entry in ClinVar:

NM_002317.7(LOX):c.216G>A (p.Pro72=)

Genes: LOX (lysyl oxidase; minus strand), SRFBP1 (serum response factor binding protein 1; plus strand). Cytogenetic location: 5q23.1.
Variant type: single nucleotide variant.
Coding change: c.216G>A on transcript NM_002317.7 (MANE Select); coding-DNA position 216, G replaced by A.
Protein change: p.Pro72=; no amino-acid change (proline 72 retained).
Molecular consequence: synonymous variant.
Genome position (GRCh38, 1-based): chr5:122,077,770, C>T on the plus strand (G>A on the coding strand, the complement: LOX is on the minus strand). VCF-style: chr5-122077770-C-T. GRCh37 (hg19) VCF-style: chr5-121413465-C-T.
Identifiers: ClinVar variation 1209132 (VCV001209132.16), dbSNP rs753662323, ClinGen allele CA3384099.

ClinVar aggregate classification (germline): Benign/Likely benign. Review status: criteria provided, multiple submitters, no conflicts (2 of 4 stars). 5 submissions from 5 submitters: Benign (1); Likely benign (3). 1 of the submissions does not count toward it. Last evaluated 2026-01-26.

Conditions:
Cardiovascular phenotype. Identifiers: MedGen CN230736.
LOX-related disorder. Also called: LOX-related disorders; LOX-related condition.

Allele frequency attached by ClinVar (database versions not stated): TOPMed 0.00002; gnomAD 0.00003 and 0.00004; gnomAD exomes 0.00015; ExAC 0.00042.
gnomAD v4.1: 88 of 1,548,584 alleles (0.0057%); highest among the groups gnomAD compares: Middle Eastern, 0.12%; 4 homozygotes.

Submissions (5):

Labcorp Genetics (formerly Invitae), Labcorp
Classification: Benign. Last evaluated: 2026-01-26. Review status: criteria provided, single submitter. Criteria: Invitae Variant Classification Sherloc (09022015). Collection method: clinical testing. Allele origin: germline.

Blueprint Genetics
Classification: Likely benign. Last evaluated: 2024-07-22. Review status: criteria provided, single submitter. Criteria: ACMG Guidelines, 2015. Collection method: clinical testing. Allele origin: germline.

Ambry Genetics
Classification: Likely benign for Cardiovascular phenotype. Last evaluated: 2019-08-22. Review status: criteria provided, single submitter. Criteria: Ambry Variant Classification Scheme 2023. Collection method: clinical testing. Allele origin: germline.

GeneDx
Classification: Likely benign. Last evaluated: 2019-03-14. Review status: criteria provided, single submitter. Criteria: GeneDx Variant Classification Process June 2021. Collection method: clinical testing. Allele origin: germline. Affected: yes.

PreventionGenetics, part of Exact Sciences
Classification: Likely benign for LOX-related condition. Last evaluated: 2020-10-29. Review status: no assertion criteria provided. Collection method: clinical testing. Allele origin: germline. Not counted in ClinVar's aggregate classification.
Comment: This variant is classified as likely benign based on ACMG/AMP sequence variant interpretation guidelines (Richards et al. 2015 PMID: 25741868, with internal and published modifications).